The following is an entry in ClinVar:

NM_001868.4(CPA1):c.451A>G (p.Thr151Ala)

Gene: CPA1 (carboxypeptidase A1; plus strand). Cytogenetic location: 7q32.2.
Variant type: single nucleotide variant.
Coding change: c.451A>G on transcript NM_001868.4 (MANE Select); coding-DNA position 451, A replaced by G.
Protein change: p.Thr151Ala; replaces threonine 151 with alanine.
Molecular consequence: missense variant.
Genome position (GRCh38, 1-based): chr7:130,382,177, A>G. VCF-style: chr7-130382177-A-G. GRCh37 (hg19) VCF-style: chr7-130022018-A-G.
Other names: short protein forms T151A.
Identifiers: ClinVar variation 2625444 (VCV002625444.2), dbSNP rs1584851067, ClinGen allele CA369281144.

ClinVar aggregate classification (germline): Uncertain significance (1 of 4 stars; one submission).

Conditions:
Hereditary pancreatitis (PCTT). Also called: PRSS1-Related Hereditary Pancreatitis; Hereditary chronic pancreatitis. Identifiers: Orphanet 676, MedGen C0238339, MONDO:0008185, OMIM 167800.

Allele frequency attached by ClinVar (database versions not stated): gnomAD exomes below 0.00001.
gnomAD v4.1: 1 of 1,614,210 alleles (0.000062%); highest among the groups gnomAD compares: Admixed American, 0.0017%; no homozygotes.

Submission:

Ambry Genetics
Classification: Uncertain significance for Hereditary pancreatitis. Last evaluated: 2023-08-13. Review status: criteria provided, single submitter. Criteria: Ambry Variant Classification Scheme 2023. Collection method: clinical testing. Allele origin: germline.
Comment: The p.T151A variant (also known as c.451A>G), located in coding exon 4 of the CPA1 gene, results from an A to G substitution at nucleotide position 451. The threonine at codon 151 is replaced by alanine, an amino acid with similar properties. This amino acid position is conserved. In addition, this alteration is predicted to be tolerated by in silico analysis. Since supporting evidence is limited at this time, the clinical significance of this alteration remains unclear.